The following is an entry in ClinVar:

NM_022489.4(INF2):c.338A>T (p.Gln113Leu)

Gene: INF2 (inverted formin 2; plus strand). Cytogenetic location: 14q32.33.
Variant type: single nucleotide variant.
Coding change: c.338A>T on transcript NM_022489.4 (MANE Select); coding-DNA position 338, A replaced by T.
Protein change: p.Gln113Leu; replaces glutamine 113 with leucine.
Molecular consequence: missense variant.
Genome position (GRCh38, 1-based): chr14:104,701,703, A>T. VCF-style: chr14-104701703-A-T. GRCh37 (hg19) VCF-style: chr14-105168040-A-T.
Other names: c.338A>T, p.Gln113Leu (NM_001031714.4, NM_001426862.1, NM_001426863.1 and 6 more transcripts); short protein forms Q113L.
Identifiers: ClinVar variation 2921835 (VCV002921835.3), dbSNP rs1889511010, ClinGen allele CA391225912.

ClinVar aggregate classification (germline): Uncertain significance (1 of 4 stars; one submission).

Conditions:
Charcot-Marie-Tooth disease dominant intermediate E. Also called: CHARCOT-MARIE-TOOTH NEUROPATHY WITH FOCAL SEGMENTAL GLOMERULONEPHRITIS. Identifiers: Orphanet 93114, MedGen C4302667, MONDO:0013758, OMIM 614455.
Focal segmental glomerulosclerosis 5 (FSGS5). Identifiers: Orphanet 656, MedGen C2750475, MONDO:0013191, OMIM 613237.

Submission:

Labcorp Genetics (formerly Invitae), Labcorp
Classification: Uncertain significance for Charcot-Marie-Tooth disease dominant intermediate E; Focal segmental glomerulosclerosis 5. Last evaluated: 2023-12-30. Review status: criteria provided, single submitter. Criteria: Invitae Variant Classification Sherloc (09022015). Collection method: clinical testing. Allele origin: germline.
Comment: This sequence change replaces glutamine, which is neutral and polar, with leucine, which is neutral and non-polar, at codon 113 of the INF2 protein (p.Gln113Leu). This variant is not present in population databases (gnomAD no frequency). This variant has not been reported in the literature in individuals affected with INF2-related conditions. Advanced modeling of protein sequence and biophysical properties (such as structural, functional, and spatial information, amino acid conservation, physicochemical variation, residue mobility, and thermodynamic stability) performed at Invitae indicates that this missense variant is not expected to disrupt INF2 protein function with a negative predictive value of 95%. In summary, the available evidence is currently insufficient to determine the role of this variant in disease. Therefore, it has been classified as a Variant of Uncertain Significance.